The following is an entry in ClinVar:

NM_001244710.2(GFPT1):c.1187A>T (p.Tyr396Phe)

Gene: GFPT1 (glutamine--fructose-6-phosphate transaminase 1; minus strand). Cytogenetic location: 2p13.3.
Variant type: single nucleotide variant.
Coding change: c.1187A>T on transcript NM_001244710.2 (MANE Select); coding-DNA position 1187, A replaced by T.
Protein change: p.Tyr396Phe; replaces tyrosine 396 with phenylalanine.
Molecular consequence: missense variant.
Genome position (GRCh38, 1-based): chr2:69,342,168, T>A on the plus strand (A>T on the coding strand, the complement: GFPT1 is on the minus strand). VCF-style: chr2-69342168-T-A. GRCh37 (hg19) VCF-style: chr2-69569300-T-A.
Other names: c.1133A>T, p.Tyr378Phe (NM_002056.4); short protein forms Y396F, Y378F.
Identifiers: ClinVar variation 473126 (VCV000473126.8), dbSNP rs1553388418, ClinGen allele CA347125288.
Genomic context (GRCh38, chr2:69,342,168, plus strand): 5'-ATTCTCTAATATTCAACATAATTAAAATTTTAAAAAGCACTTACTGCTACACCAGCATGG[T>A]AACTTGTTCCACAAGCAATAAGAATCAAACGCCGGCATCTCTGGATCTCCTTTATGTGAT-3'
Protein context (NP_001231639.1, residues 386-406): RLILIACGTS[Tyr396Phe]HAGVATRQVL

ClinVar aggregate classification (germline): Uncertain significance (1 of 4 stars; one submission).

Conditions:
Congenital myasthenic syndrome 12 (CMS12). Also called: MYASTHENIC SYNDROME, CONGENITAL, WITH TUBULAR AGGREGATES 1; Myasthenia, congenital, 12, with tubular aggregates. Identifiers: Orphanet 353327, Orphanet 590, MedGen C3552335, MONDO:0012518, OMIM 610542.

Submission:

Labcorp Genetics (formerly Invitae), Labcorp
Classification: Uncertain significance for Congenital myasthenic syndrome 12. Last evaluated: 2022-06-27. Review status: criteria provided, single submitter. Criteria: Invitae Variant Classification Sherloc (09022015). Collection method: clinical testing. Allele origin: germline.
Comment: In summary, the available evidence is currently insufficient to determine the role of this variant in disease. Therefore, it has been classified as a Variant of Uncertain Significance. Algorithms developed to predict the effect of missense changes on protein structure and function are either unavailable or do not agree on the potential impact of this missense change (SIFT: "Deleterious"; PolyPhen-2: "Benign"; Align-GVGD: "Class C15"). ClinVar contains an entry for this variant (Variation ID: 473126). This variant has not been reported in the literature in individuals affected with GFPT1-related conditions. This variant is not present in population databases (gnomAD no frequency). This sequence change replaces tyrosine, which is neutral and polar, with phenylalanine, which is neutral and non-polar, at codon 378 of the GFPT1 protein (p.Tyr378Phe).